The following is an entry in ClinVar:

ClinVar aggregate classification (germline): Uncertain significance (1 of 4 stars; one submission).

Conditions:
ADCY3-related disorder. Also called: ADCY3-related condition.

Submission:

PreventionGenetics, part of Exact Sciences
Classification: Uncertain significance for ADCY3-related condition. Last evaluated: 2025-03-05. Review status: criteria provided, single submitter. Criteria: ACMG Guidelines, 2015. Collection method: clinical testing. Allele origin: germline.
Comment: The ADCY3 c.3160G>T variant is predicted to result in the amino acid substitution p.Val1054Phe. To our knowledge, this variant has not been reported in the literature or in a large population database (gnomAD), indicating this variant is rare. At this time, the clinical significance of this variant is uncertain due to the absence of conclusive functional and genetic evidence.

NM_004036.5(ADCY3):c.3157G>T (p.Val1053Phe)

Genes: ADCY3 (adenylate cyclase 3; minus strand), CENPO (centromere protein O; plus strand). Cytogenetic location: 2p23.3.
Variant type: single nucleotide variant.
Coding change: c.3157G>T on transcript NM_004036.5 (MANE Select); coding-DNA position 3157, G replaced by T.
Protein change: p.Val1053Phe; replaces valine 1053 with phenylalanine.
Molecular consequence: missense variant. On other transcripts: 3 prime UTR variant (3), non-coding transcript variant (3).
Genome position (GRCh38, 1-based): chr2:24,820,819, C>A on the plus strand (G>T on the coding strand, the complement: ADCY3 is on the minus strand). VCF-style: chr2-24820819-C-A. GRCh37 (hg19) VCF-style: chr2-25043688-C-A.
Other names: c.3160G>T, p.Val1054Phe (NM_001320613.2); c.3223G>T, p.Val1075Phe (NM_001377128.1); c.3019G>T, p.Val1007Phe (NM_001377129.1); c.2605G>T, p.Val869Phe (NM_001377130.1); c.2434G>T, p.Val812Phe (NM_001377131.1); c.3157G>T, p.Val1053Phe (NM_001377132.1); c.*1501C>A (NM_001199803.3, NM_001322101.2, NM_024322.4); short protein forms V1007F, V869F, V1054F, V1075F, V1053F, V812F.
Identifiers: ClinVar variation 5000817 (VCV005000817.1).